The following is an entry in ClinVar:

NM_002617.4(PEX10):c.61T>C (p.Tyr21His)

Gene: PEX10 (peroxisomal biogenesis factor 10; minus strand). Cytogenetic location: 1p36.32.
Variant type: single nucleotide variant.
Coding change: c.61T>C on transcript NM_002617.4 (MANE Select); coding-DNA position 61, T replaced by C.
Protein change: p.Tyr21His; replaces tyrosine 21 with histidine.
Molecular consequence: missense variant. On other transcripts: intron variant (2).
Genome position (GRCh38, 1-based): chr1:2,412,442, A>G on the plus strand (T>C on the coding strand, the complement: PEX10 is on the minus strand). VCF-style: chr1-2412442-A-G. GRCh37 (hg19) VCF-style: chr1-2343881-A-G.
Other names: c.61T>C, p.Tyr21His (NM_001374425.1, NM_153818.2); c.-321+1155T>C (NM_001374427.1, NM_001374426.1); short protein forms Y21H.
Identifiers: ClinVar variation 1405168 (VCV001405168.8), dbSNP rs2100441317, ClinGen allele CA337990540.

ClinVar aggregate classification (germline): Uncertain significance (1 of 4 stars; one submission).

Conditions:
Peroxisome biogenesis disorder, complementation group 7 (CG7). Also called: Peroxisome biogenesis disorder, complementation group B. Identifiers: MedGen C1864399.

Allele frequency attached by ClinVar (database versions not stated): gnomAD exomes below 0.00001.
gnomAD v4.1: 1 of 1,429,480 alleles (0.00007%); highest among the groups gnomAD compares: East Asian, 0.003%; no homozygotes.

Submission:

Labcorp Genetics (formerly Invitae), Labcorp
Classification: Uncertain significance for Peroxisome biogenesis disorder, complementation group 7. Last evaluated: 2021-07-12. Review status: criteria provided, single submitter. Criteria: Invitae Variant Classification Sherloc (09022015). Collection method: clinical testing. Allele origin: germline.
Comment: The frequency data for this variant in the population databases is considered unreliable, as metrics indicate insufficient coverage at this position in the ExAC database. This variant has not been reported in the literature in individuals affected with PEX10-related conditions. Algorithms developed to predict the effect of missense changes on protein structure and function (SIFT, PolyPhen-2, Align-GVGD) all suggest that this variant is likely to be disruptive. In summary, the available evidence is currently insufficient to determine the role of this variant in disease. Therefore, it has been classified as a Variant of Uncertain Significance. This sequence change replaces tyrosine with histidine at codon 21 of the PEX10 protein (p.Tyr21His). The tyrosine residue is highly conserved and there is a moderate physicochemical difference between tyrosine and histidine.